The following is an entry in ClinVar:

NM_000059.4(BRCA2):c.1295A>G (p.Glu432Gly)

Gene: BRCA2 (BRCA2 DNA repair associated; plus strand). Cytogenetic location: 13q13.1.
Variant type: single nucleotide variant.
Coding change: c.1295A>G on transcript NM_000059.4 (MANE Select); coding-DNA position 1295, A replaced by G.
Protein change: p.Glu432Gly; replaces glutamic acid 432 with glycine.
Molecular consequence: missense variant. On other transcripts: intron variant (1), non-coding transcript variant (1).
Genome position (GRCh38, 1-based): chr13:32,332,773, A>G. VCF-style: chr13-32332773-A-G. GRCh37 (hg19) VCF-style: chr13-32906910-A-G.
Other names: c.424+1743A>G (NM_001406722.1); c.1295A>G, p.Glu432Gly (NM_001406719.1, NM_001406720.1, NM_001406721.1); short protein forms E432G.
Identifiers: ClinVar variation 2774882 (VCV002774882.2), dbSNP rs1161226532, ClinGen allele CA387762502.

ClinVar aggregate classification (germline): Uncertain significance (1 of 4 stars; one submission).

Conditions:
Hereditary cancer-predisposing syndrome. Also called: Neoplastic Syndromes, Hereditary; Tumor predisposition; Hereditary Cancer Syndrome; Hereditary neoplastic syndrome. Identifiers: Orphanet 140162, MedGen C0027672, MeSH D009386, MONDO:0015356.

Submission:

Color Diagnostics, LLC DBA Color Health
Classification: Uncertain significance for Hereditary cancer-predisposing syndrome. Last evaluated: 2023-10-02. Review status: criteria provided, single submitter. Criteria: ACMG Guidelines, 2015. Collection method: clinical testing. Allele origin: germline.
Comment: This missense variant replaces glutamic acid with glycine at codon 432 of the BRCA2 protein. Computational prediction suggests that this variant may not impact protein structure and function (internally defined REVEL score threshold <= 0.5, PMID: 27666373). To our knowledge, functional studies have not been reported for this variant. This variant has not been reported in individuals affected with BRCA2-related disorders in the literature. This variant has not been identified in the general population by the Genome Aggregation Database (gnomAD). The available evidence is insufficient to determine the role of this variant in disease conclusively. Therefore, this variant is classified as a Variant of Uncertain Significance.